The following is an entry in ClinVar:

NM_001171.6(ABCC6):c.3053G>A (p.Arg1018Lys)

Gene: ABCC6 (ATP binding cassette subfamily C member 6; minus strand). Cytogenetic location: 16p13.11.
Variant type: single nucleotide variant.
Coding change: c.3053G>A on transcript NM_001171.6 (MANE Select); coding-DNA position 3053, G replaced by A.
Protein change: p.Arg1018Lys; replaces arginine 1018 with lysine.
Molecular consequence: missense variant. On other transcripts: non-coding transcript variant (1).
Genome position (GRCh38, 1-based): chr16:16,165,876, C>T on the plus strand (G>A on the coding strand, the complement: ABCC6 is on the minus strand). VCF-style: chr16-16165876-C-T. GRCh37 (hg19) VCF-style: chr16-16259733-C-T.
Other names: c.2711G>A, p.Arg904Lys (NM_001351800.1); short protein forms R904K, R1018K.
Identifiers: ClinVar variation 1463179 (VCV001463179.5), dbSNP rs908776022, ClinGen allele CA278633239.

ClinVar aggregate classification (germline): Uncertain significance (1 of 4 stars; one submission).

Allele frequency attached by ClinVar (database versions not stated): TOPMed 0.00002.
gnomAD v4.1: 1 of 1,613,230 alleles (0.000062%); highest among the groups gnomAD compares: Non-Finnish European, 0.000085%; no homozygotes.

Submission:

Labcorp Genetics (formerly Invitae), Labcorp
Classification: Uncertain significance. Last evaluated: 2021-09-24. Review status: criteria provided, single submitter. Criteria: Invitae Variant Classification Sherloc (09022015). Collection method: clinical testing. Allele origin: germline.
Comment: This sequence change replaces arginine with lysine at codon 1018 of the ABCC6 protein (p.Arg1018Lys). The arginine residue is weakly conserved and there is a small physicochemical difference between arginine and lysine. This variant is not present in population databases (ExAC no frequency). This variant has not been reported in the literature in individuals with ABCC6-related conditions. Advanced modeling of protein sequence and biophysical properties (such as structural, functional, and spatial information, amino acid conservation, physicochemical variation, residue mobility, and thermodynamic stability) performed at Invitae indicates that this missense variant is not expected to disrupt ABCC6 protein function. In summary, the available evidence is currently insufficient to determine the role of this variant in disease. Therefore, it has been classified as a Variant of Uncertain Significance.